The following is an entry in ClinVar:

NM_000770.3(CYP2C8):c.394C>A (p.Arg132=)

Gene: CYP2C8 (cytochrome P450 family 2 subfamily C member 8; minus strand). Cytogenetic location: 10q23.33.
Variant type: single nucleotide variant.
Coding change: c.394C>A on transcript NM_000770.3 (MANE Select); coding-DNA position 394, C replaced by A.
Protein change: p.Arg132=; no amino-acid change (arginine 132 retained).
Molecular consequence: synonymous variant.
Genome position (GRCh38, 1-based): chr10:95,067,295, G>T on the plus strand (C>A on the coding strand, the complement: CYP2C8 is on the minus strand). VCF-style: chr10-95067295-G-T. GRCh37 (hg19) VCF-style: chr10-96827052-G-T.
Other names: c.184C>A, p.Arg62= (NM_001198853.1, NM_001198855.1); c.88C>A, p.Arg30= (NM_001198854.1).
Identifiers: ClinVar variation 3044505 (VCV003044505.2), dbSNP rs145992929, ClinGen allele CA5617801.
Genomic context (GRCh38, chr10:95,067,295, plus strand): 5'-GGCAGTGAGCTTCCTCTTGAACACGGTCCTCAATGCTCCTCTTCCCCATCCCAAAATTCC[G>T]CAAGGTTGTGAGGGAGAAACGCCGGATCTCCTTCCATCTCTTTCCATTGCTGGAAATGAT-3'
Protein context (NP_000761.3, residues 122-142): EIRRFSLTTL[Arg132=]NFGMGKRSIE

ClinVar aggregate classification (germline): Likely benign (0 of 4 stars; one submission).

Conditions:
CYP2C8-related disorder. Also called: CYP2C8-related condition.

Allele frequency attached by ClinVar (database versions not stated): 1000 Genomes Project 30x 0.00016; ESP Exome Variant Server 0.00031.
gnomAD v4.1: 314 of 1,614,106 alleles (0.019%); highest among the groups gnomAD compares: Non-Finnish European, 0.024%; no homozygotes.

Submission:

PreventionGenetics, part of Exact Sciences
Classification: Likely benign for CYP2C8-related condition. Last evaluated: 2019-05-27. Review status: no assertion criteria provided. Collection method: clinical testing. Allele origin: germline.
Comment: This variant is classified as likely benign based on ACMG/AMP sequence variant interpretation guidelines (Richards et al. 2015 PMID: 25741868, with internal and published modifications).